The following is an entry in ClinVar:

NM_182931.3(KMT2E):c.847C>T (p.Arg283Ter)

Gene: KMT2E (lysine methyltransferase 2E (inactive); plus strand). Cytogenetic location: 7q22.3.
Variant type: single nucleotide variant.
Coding change: c.847C>T on transcript NM_182931.3 (MANE Select); coding-DNA position 847, C replaced by T.
Protein change: p.Arg283Ter; replaces arginine 283 with a stop codon.
Molecular consequence: nonsense.
Genome position (GRCh38, 1-based): chr7:105,077,041, C>T. VCF-style: chr7-105077041-C-T. GRCh37 (hg19) VCF-style: chr7-104717488-C-T.
Other names: c.847C>T, p.Arg283Ter (NM_001410908.1, NM_018682.4); short protein forms R283*.
Identifiers: ClinVar variation 1805445 (VCV001805445.3), dbSNP rs772510917, ClinGen allele CA368777579.
Genomic context (GRCh38, chr7:105,077,041, plus strand): 5'-GATCCTTCATCTGATGGTTCAAATTTTGGATGGGAGACAAAGATCAAAGCATGGATGGAT[C>T]GATATGAAGAAGCAAATAACAACCAGTACAGTGAGGGTGTTCAGAGGGAGGCACAAAGAA-3'

ClinVar aggregate classification (germline): Pathogenic. Review status: criteria provided, multiple submitters, no conflicts (2 of 4 stars). 2 submissions from 2 submitters: Pathogenic (2). Last evaluated 2024-05-04.

Conditions:
O'Donnell-Luria-Rodan syndrome (ODLURO). Also called: KMT2E-Related Neurodevelopmental Disorder. Identifiers: MedGen C5193138, MONDO:0032793, OMIM 618512.

Submissions (2):

GeneDx
Classification: Pathogenic. Last evaluated: 2024-05-04. Review status: criteria provided, single submitter. Criteria: GeneDx Variant Classification Process June 2021. Collection method: clinical testing. Allele origin: germline.
Comment: Nonsense variant predicted to result in protein truncation or nonsense mediated decay in a gene for which loss of function is a known mechanism of disease; Not observed at significant frequency in large population cohorts (gnomAD); Has not been previously published as pathogenic or benign to our knowledge

Victorian Clinical Genetics Services, Murdoch Childrens Research Institute
Classification: Pathogenic for O'Donnell-Luria-Rodan syndrome. Last evaluated: 2022-03-31. Review status: criteria provided, single submitter. Criteria: ACMG Guidelines, 2015. Collection method: clinical testing. Allele origin: germline. Inheritance: Autosomal dominant inheritance.
Comment: Based on the classification scheme VCGS_Germline_v1.3.4, this variant is classified as Pathogenic. Following criteria are met: 0102 - Loss of function is a known mechanism of disease in this gene and is associated with O'Donnell-Luria-Rodan syndrome (MIM#618512). (I) 0107 - This gene is associated with autosomal dominant disease. (I) 0201 - Variant is predicted to cause nonsense-mediated decay (NMD) and loss of protein (premature termination codon is located at least 54 nucleotides upstream of the final exon-exon junction). (SP) 0251 - This variant is heterozygous. (I) 0301 - Variant is absent from gnomAD (both v2 and v3). (SP) 0701 - Other NMD-predicted variants comparable to the one identified in this case have very strong previous evidence for pathogenicity. These alternative changes have been reported as pathogenic (DECIPHER, PMID: 31079897). (SP) 0807 - This variant has no previous evidence of pathogenicity. (I) 0905 - No published segregation evidence has been identified for this variant. (I) 1007 - No published functional evidence has been identified for this variant. (I) Legend: (SP) - Supporting pathogenic, (I) - Information, (SB) - Supporting benign

Literature cited by the submitters: PubMed 31079897 (cited by Victorian Clinical Genetics Services, Murdoch Childrens Research Institute).